The following is an entry in ClinVar:

ClinVar aggregate classification (germline): Pathogenic (1 of 4 stars; one submission).

Conditions:
Junctional epidermolysis bullosa. Identifiers: Orphanet 305, MedGen C0079301, MONDO:0017612.

Submission:

Myriad Genetics, Inc.
Classification: Pathogenic for Junctional epidermolysis bullosa. Last evaluated: 2026-03-04. Review status: criteria provided, single submitter. Criteria: Myriad Autosomal Dominant, Autosomal Recessive and X-Linked Classification Criteria (2023). Collection method: clinical testing. Allele origin: unknown.
Comment: NM_005562.2(LAMC2):c.2645C>G(S882*) is expected to be pathogenic in the context of junctional epidermolysis bullosa, LAMC2-related. This variant is predicted to lead to an abnormal or absent protein product due to the creation of a premature termination codon in LAMC2, a gene where loss-of-function variants are known to be pathogenic. Please note: this variant was assessed in the context of healthy population screening.

NM_005562.3(LAMC2):c.2645C>G (p.Ser882Ter)

Gene: LAMC2 (laminin subunit gamma 2; plus strand). Cytogenetic location: 1q25.3.
Variant type: single nucleotide variant.
Coding change: c.2645C>G on transcript NM_005562.3 (MANE Select); coding-DNA position 2645, C replaced by G.
Protein change: p.Ser882Ter; replaces serine 882 with a stop codon.
Molecular consequence: nonsense.
Genome position (GRCh38, 1-based): chr1:183,237,395, C>G. VCF-style: chr1-183237395-C-G. GRCh37 (hg19) VCF-style: chr1-183206530-C-G.
Other names: c.2645C>G, p.Ser882Ter (NM_018891.3); short protein forms S882*.
Identifiers: ClinVar variation 5015639 (VCV005015639.1).